The following is an entry in ClinVar:

NM_001040142.2(SCN2A):c.4139T>C (p.Val1380Ala)

Gene: SCN2A (sodium voltage-gated channel alpha subunit 2; plus strand). Cytogenetic location: 2q24.3.
Variant type: single nucleotide variant.
Coding change: c.4139T>C on transcript NM_001040142.2 (MANE Select); coding-DNA position 4139, T replaced by C.
Protein change: p.Val1380Ala; replaces valine 1380 with alanine.
Molecular consequence: missense variant.
Genome position (GRCh38, 1-based): chr2:165,374,851, T>C. VCF-style: chr2-165374851-T-C. GRCh37 (hg19) VCF-style: chr2-166231361-T-C.
Other names: c.4139T>C, p.Val1380Ala (NM_001040143.2, NM_001371246.1, NM_001371247.1 and 1 more transcripts); short protein forms V1380A.
Identifiers: ClinVar variation 1982237 (VCV001982237.4), dbSNP rs1299215443, ClinGen allele CA349031094.

ClinVar aggregate classification (germline): Uncertain significance (1 of 4 stars; one submission).

Conditions:
Developmental and epileptic encephalopathy, 11 (DEE11). Also called: Early infantile epileptic encephalopathy 11. Identifiers: Orphanet 1934, MedGen C3150987, MONDO:0013388, OMIM 613721.
Seizures, benign familial infantile, 3 (BFIS3). Also called: CONVULSIONS, BENIGN FAMILIAL INFANTILE, 3; Familial neonatal seizures. Identifiers: Orphanet 140927, Orphanet 306, MedGen C1843140, MONDO:0011904, OMIM 607745.

Allele frequency attached by ClinVar (database versions not stated): gnomAD exomes below 0.00001.
gnomAD v4.1: 1 of 1,613,624 alleles (0.000062%); highest among the groups gnomAD compares: Non-Finnish European, 0.000085%; no homozygotes.

Submission:

Labcorp Genetics (formerly Invitae), Labcorp
Classification: Uncertain significance for Seizures, benign familial infantile, 3; Developmental and epileptic encephalopathy, 11. Last evaluated: 2026-02-02. Review status: criteria provided, single submitter. Criteria: Invitae Variant Classification Sherloc (09022015). Collection method: clinical testing. Allele origin: germline.
Comment: This sequence change replaces valine, which is neutral and non-polar, with alanine, which is neutral and non-polar, at codon 1380 of the SCN2A protein (p.Val1380Ala). This variant is present in population databases (no rsID available, gnomAD 0.0009%). This variant has not been reported in the literature in individuals affected with SCN2A-related conditions. ClinVar contains an entry for this variant (Variation ID: 1982237). Invitae Evidence Modeling of protein sequence and biophysical properties (such as structural, functional, and spatial information, amino acid conservation, physicochemical variation, residue mobility, and thermodynamic stability) indicates that this missense variant is expected to disrupt SCN2A protein function with a positive predictive value of 95%. In summary, the available evidence is currently insufficient to determine the role of this variant in disease. Therefore, it has been classified as a Variant of Uncertain Significance.